The following is an entry in ClinVar:

ClinVar aggregate classification (germline): Uncertain significance. Review status: criteria provided, multiple submitters, no conflicts (2 of 4 stars). 2 submissions from 2 submitters: Uncertain significance (2). Last evaluated 2025-11-20.

Conditions:
Familial focal epilepsy with variable foci (FPEVF). Identifiers: Orphanet 98820, MedGen C1858477, MONDO:0020310.
Inborn genetic diseases. Identifiers: MedGen C0950123, MeSH D030342.

Allele frequency attached by ClinVar (database versions not stated): gnomAD exomes 0.00001; TOPMed 0.00001.
gnomAD v4.1: 15 of 1,551,428 alleles (0.00097%); highest among the groups gnomAD compares: Non-Finnish European, 0.0013%; no homozygotes.

Submissions (2):

Ambry Genetics
Classification: Uncertain significance for Inborn genetic diseases. Last evaluated: 2025-11-20. Review status: criteria provided, single submitter. Criteria: Ambry Variant Classification Scheme 2023. Collection method: clinical testing. Allele origin: germline.

Labcorp Genetics (formerly Invitae), Labcorp
Classification: Uncertain significance for Familial focal epilepsy with variable foci. Last evaluated: 2022-03-11. Review status: criteria provided, single submitter. Criteria: Invitae Variant Classification Sherloc (09022015). Collection method: clinical testing. Allele origin: germline.
Comment: In summary, the available evidence is currently insufficient to determine the role of this variant in disease. Therefore, it has been classified as a Variant of Uncertain Significance. Algorithms developed to predict the effect of missense changes on protein structure and function are either unavailable or do not agree on the potential impact of this missense change (SIFT: "Deleterious"; PolyPhen-2: "Not Available"; Align-GVGD: "Class C0"). This variant has not been reported in the literature in individuals affected with DEPDC5-related conditions. This variant is not present in population databases (gnomAD no frequency). This sequence change replaces serine, which is neutral and polar, with glycine, which is neutral and non-polar, at codon 1099 of the DEPDC5 protein (p.Ser1099Gly).

NM_001242896.3(DEPDC5):c.3295A>G (p.Ser1099Gly)

Gene: DEPDC5 (DEP domain containing 5, GATOR1 subcomplex subunit; plus strand). Cytogenetic location: 22q12.3.
Variant type: single nucleotide variant.
Coding change: c.3295A>G on transcript NM_001242896.3 (MANE Select); coding-DNA position 3295, A replaced by G.
Protein change: p.Ser1099Gly; replaces serine 1099 with glycine.
Molecular consequence: missense variant. On other transcripts: non-coding transcript variant (2), intron variant (5).
Genome position (GRCh38, 1-based): chr22:31,861,398, A>G. VCF-style: chr22-31861398-A-G. GRCh37 (hg19) VCF-style: chr22-32257384-A-G.
Other names: c.3268A>G, p.Ser1090Gly (NM_001136029.4); c.3061A>G, p.Ser1021Gly (NM_001363854.2, NM_001364319.2); c.3295A>G, p.Ser1099Gly (NM_001364318.2); c.3211A>G, p.Ser1071Gly (NM_001369901.1, NM_001369902.1); c.3237+3845A>G (NM_014662.6, NM_001369903.1); c.3264+3845A>G (NM_001363852.2, NM_001364320.2); c.3030+3845A>G (NM_001242897.2); c.3295A>G (NM_001242896.1); short protein forms S1099G, S1021G, S1090G, S1071G.
Identifiers: ClinVar variation 2138045 (VCV002138045.5), dbSNP rs2092507066, ClinGen allele CA411294627.
Genomic context (GRCh38, chr22:31,861,398, plus strand): 5'-TGCTGCTGCTTCCTCCTCCTGTGACTTCAGGACGGGGCCTTCTTTATGGAGTTTGTCCGC[A>G]GCCCACGCACAGCATCGTCCGCCTTCTACCCTCAGGTTAGTCCAACTCCAGGGCTTCGCA-3'
Protein context (NP_001229825.1, residues 1089-1109): DGAFFMEFVR[Ser1099Gly]PRTASSAFYP